The following is an entry in ClinVar:

ClinVar aggregate classification (germline): Uncertain significance (1 of 4 stars; one submission).

gnomAD v4.1: 3 of 1,613,940 alleles (0.00019%); highest among the groups gnomAD compares: Non-Finnish European, 0.00025%; no homozygotes.

Submission:

Ambry Genetics
Classification: Uncertain significance. Last evaluated: 2025-04-17. Review status: criteria provided, single submitter. Criteria: Ambry Variant Classification Scheme 2023. Collection method: clinical testing. Allele origin: germline.
Comment: The p.K645T variant (also known as c.1934A>C), located in coding exon 13 of the GEN1 gene, results from an A to C substitution at nucleotide position 1934. The lysine at codon 645 is replaced by threonine, an amino acid with similar properties. This amino acid position is conserved. In addition, this alteration is predicted to be tolerated by in silico analysis. Based on the available evidence, the clinical significance of this variant remains unclear.

NM_001130009.3(GEN1):c.1934A>C (p.Lys645Thr)

Gene: GEN1 (GEN1 Holliday junction 5' flap endonuclease; plus strand). Cytogenetic location: 2p24.2.
Variant type: single nucleotide variant.
Coding change: c.1934A>C on transcript NM_001130009.3 (MANE Select); coding-DNA position 1934, A replaced by C.
Protein change: p.Lys645Thr; replaces lysine 645 with threonine.
Molecular consequence: missense variant.
Genome position (GRCh38, 1-based): chr2:17,781,146, A>C. VCF-style: chr2-17781146-A-C. GRCh37 (hg19) VCF-style: chr2-17962413-A-C.
Other names: c.1934A>C, p.Lys645Thr (NM_182625.5); short protein forms K645T.
Identifiers: ClinVar variation 4029231 (VCV004029231.1).